The following is an entry in ClinVar:

NM_000059.4(BRCA2):c.4844T>C (p.Leu1615Pro)

Gene: BRCA2 (BRCA2 DNA repair associated; plus strand). Cytogenetic location: 13q13.1.
Variant type: single nucleotide variant.
Coding change: c.4844T>C on transcript NM_000059.4 (MANE Select); coding-DNA position 4844, T replaced by C.
Protein change: p.Leu1615Pro; replaces leucine 1615 with proline.
Molecular consequence: missense variant. On other transcripts: non-coding transcript variant (1), intron variant (2).
Genome position (GRCh38, 1-based): chr13:32,339,199, T>C. VCF-style: chr13-32339199-T-C. GRCh37 (hg19) VCF-style: chr13-32913336-T-C.
Other names: c.4844T>C, p.Leu1615Pro (NM_001406719.1, NM_001406720.1); c.1910-5359T>C (NM_001406721.1); c.425-5359T>C (NM_001406722.1); short protein forms L1615P.
Identifiers: ClinVar variation 2774918 (VCV002774918.2), dbSNP rs2137510857, ClinGen allele CA387783366.

ClinVar aggregate classification (germline): Uncertain significance (1 of 4 stars; one submission).

Conditions:
Hereditary cancer-predisposing syndrome. Also called: Neoplastic Syndromes, Hereditary; Tumor predisposition; Hereditary Cancer Syndrome; Hereditary neoplastic syndrome. Identifiers: Orphanet 140162, MedGen C0027672, MeSH D009386, MONDO:0015356.

Submission:

Color Diagnostics, LLC DBA Color Health
Classification: Uncertain significance for Hereditary cancer-predisposing syndrome. Last evaluated: 2021-10-11. Review status: criteria provided, single submitter. Criteria: ACMG Guidelines, 2015. Collection method: clinical testing. Allele origin: germline.
Comment: This missense variant replaces leucine with proline at codon 1615 of the BRCA2 protein. Computational prediction suggests that this variant may not impact protein structure and function (internally defined REVEL score threshold <= 0.5, PMID: 27666373). To our knowledge, functional studies have not been reported for this variant. This variant has not been reported in individuals affected with hereditary cancer in the literature. This variant has not been identified in the general population by the Genome Aggregation Database (gnomAD). The available evidence is insufficient to determine the role of this variant in disease conclusively. Therefore, this variant is classified as a Variant of Uncertain Significance.